The following is an entry in ClinVar:

ClinVar aggregate classification (germline): Uncertain significance. Review status: criteria provided, multiple submitters, no conflicts (2 of 4 stars). 2 submissions from 2 submitters: Uncertain significance (2). Last evaluated 2025-09-23.

Conditions:
Bethlem myopathy 1A. Also called: MYOPATHY, BENIGN CONGENITAL, WITH CONTRACTURES; Bethlem Muscular Dystrophy; Bethlem myopathy 1. Identifiers: Orphanet 610, MedGen CN029274, MONDO:0024530, OMIM 158810.

Allele frequency attached by ClinVar (database versions not stated): gnomAD 0.00001; TOPMed 0.00001.
gnomAD v4.1: 17 of 1,614,124 alleles (0.0011%); highest among the groups gnomAD compares: Non-Finnish European, 0.0014%; no homozygotes.

Submissions (2):

Labcorp Genetics (formerly Invitae), Labcorp
Classification: Uncertain significance for Bethlem myopathy 1A. Last evaluated: 2025-09-23. Review status: criteria provided, single submitter. Criteria: Invitae Variant Classification Sherloc (09022015). Collection method: clinical testing. Allele origin: germline.
Comment: This sequence change replaces asparagine, which is neutral and polar, with serine, which is neutral and polar, at codon 1780 of the COL6A3 protein (p.Asn1780Ser). This variant is not present in population databases (gnomAD no frequency). This variant has not been reported in the literature in individuals affected with COL6A3-related conditions. ClinVar contains an entry for this variant (Variation ID: 1422897). Invitae Evidence Modeling of protein sequence and biophysical properties (such as structural, functional, and spatial information, amino acid conservation, physicochemical variation, residue mobility, and thermodynamic stability) indicates that this missense variant is not expected to disrupt COL6A3 protein function with a negative predictive value of 80%. In summary, the available evidence is currently insufficient to determine the role of this variant in disease. Therefore, it has been classified as a Variant of Uncertain Significance.

Revvity Omics, Revvity
Classification: Uncertain significance. Last evaluated: 2023-04-23. Review status: criteria provided, single submitter. Criteria: ACMG Guidelines, 2015. Collection method: clinical testing. Allele origin: germline.

NM_004369.4(COL6A3):c.5339A>G (p.Asn1780Ser)

Gene: COL6A3 (collagen type VI alpha 3 chain; minus strand). Cytogenetic location: 2q37.3.
Variant type: single nucleotide variant.
Coding change: c.5339A>G on transcript NM_004369.4 (MANE Select); coding-DNA position 5339, A replaced by G.
Protein change: p.Asn1780Ser; replaces asparagine 1780 with serine.
Molecular consequence: missense variant.
Genome position (GRCh38, 1-based): chr2:237,366,848, T>C on the plus strand (A>G on the coding strand, the complement: COL6A3 is on the minus strand). VCF-style: chr2-237366848-T-C. GRCh37 (hg19) VCF-style: chr2-238275491-T-C.
Other names: c.3518A>G, p.Asn1173Ser (NM_057166.5); c.4721A>G, p.Asn1574Ser (NM_057167.4); c.5339A>G (NM_004369.3); short protein forms N1574S, N1780S, N1173S.
Identifiers: ClinVar variation 1422897 (VCV001422897.10), dbSNP rs750040219, ClinGen allele CA67814314.
Genomic context (GRCh38, chr2:237,366,848, plus strand): 5'-CCCACGCGGAACGCTGTGGCGCTGTTGGACGCTATCTTTCCAACCTCCTCCGAGTCGATA[T>C]TCCTCACTCCAACAGCAAACACTTTGACCCCCCTCTGGGTGAGGGCCAGGCTCACATCCT-3'
Protein context (NP_004360.2, residues 1770-1790): GVKVFAVGVR[Asn1780Ser]IDSEEVGKIA